The following is an entry in ClinVar:

ClinVar aggregate classification (germline): Uncertain significance (1 of 4 stars; one submission).

Allele frequency attached by ClinVar (database versions not stated): gnomAD exomes below 0.00001; ExAC 0.00001; TOPMed 0.00001; gnomAD 0.00002.
gnomAD v4.1: 4 of 1,613,966 alleles (0.00025%); highest among the groups gnomAD compares: Admixed American, 0.0067%; no homozygotes.

Submission:

Labcorp Genetics (formerly Invitae), Labcorp
Classification: Uncertain significance. Last evaluated: 2022-01-27. Review status: criteria provided, single submitter. Criteria: Invitae Variant Classification Sherloc (09022015). Collection method: clinical testing. Allele origin: germline.
Comment: This sequence change replaces isoleucine, which is neutral and non-polar, with threonine, which is neutral and polar, at codon 763 of the POP1 protein (p.Ile763Thr). This variant is present in population databases (rs779652620, gnomAD 0.003%). This variant has not been reported in the literature in individuals affected with POP1-related conditions. Algorithms developed to predict the effect of missense changes on protein structure and function output the following: SIFT: "Tolerated"; PolyPhen-2: "Benign"; Align-GVGD: "Class C0". The threonine amino acid residue is found in multiple mammalian species, which suggests that this missense change does not adversely affect protein function. Algorithms developed to predict the effect of sequence changes on RNA splicing suggest that this variant may create or strengthen a splice site. In summary, the available evidence is currently insufficient to determine the role of this variant in disease. Therefore, it has been classified as a Variant of Uncertain Significance.

NM_001145860.2(POP1):c.2288T>C (p.Ile763Thr)

Gene: POP1 (POP1 ribonuclease P/MRP subunit; plus strand). Cytogenetic location: 8q22.2.
Variant type: single nucleotide variant.
Coding change: c.2288T>C on transcript NM_001145860.2 (MANE Select); coding-DNA position 2288, T replaced by C.
Protein change: p.Ile763Thr; replaces isoleucine 763 with threonine.
Molecular consequence: missense variant.
Genome position (GRCh38, 1-based): chr8:98,156,280, T>C. VCF-style: chr8-98156280-T-C. GRCh37 (hg19) VCF-style: chr8-99168508-T-C.
Other names: c.2288T>C, p.Ile763Thr (NM_001145861.2, NM_015029.3); short protein forms I763T.
Identifiers: ClinVar variation 1929712 (VCV001929712.5), dbSNP rs779652620, ClinGen allele CA4820799.